The following is an entry in ClinVar:

ClinVar aggregate classification (germline): Uncertain significance (1 of 4 stars; one submission).

Submission:

Labcorp Genetics (formerly Invitae), Labcorp
Classification: Uncertain significance. Last evaluated: 2021-09-01. Review status: criteria provided, single submitter. Criteria: Invitae Variant Classification Sherloc (09022015). Collection method: clinical testing. Allele origin: germline.
Comment: This sequence change replaces arginine with tryptophan at codon 68 of the TTPA protein (p.Arg68Trp). The arginine residue is moderately conserved and there is a moderate physicochemical difference between arginine and tryptophan. The frequency data for this variant in the population databases is considered unreliable, as metrics indicate insufficient coverage at this position in the ExAC database. This variant has not been reported in the literature in individuals affected with TTPA-related conditions. Algorithms developed to predict the effect of missense changes on protein structure and function are either unavailable or do not agree on the potential impact of this missense change (SIFT: "Deleterious"; PolyPhen-2: "Probably Damaging"; Align-GVGD: "Class C0"). Algorithms developed to predict the effect of sequence changes on RNA splicing suggest that this variant may create or strengthen a splice site. In summary, the available evidence is currently insufficient to determine the role of this variant in disease. Therefore, it has been classified as a Variant of Uncertain Significance.

NM_000370.3(TTPA):c.202C>T (p.Arg68Trp)

Gene: TTPA (alpha tocopherol transfer protein; minus strand). Cytogenetic location: 8q12.3.
Variant type: single nucleotide variant.
Coding change: c.202C>T on transcript NM_000370.3 (MANE Select); coding-DNA position 202, C replaced by T.
Protein change: p.Arg68Trp; replaces arginine 68 with tryptophan.
Molecular consequence: missense variant.
Genome position (GRCh38, 1-based): chr8:63,085,820, G>A on the plus strand (C>T on the coding strand, the complement: TTPA is on the minus strand). VCF-style: chr8-63085820-G-A. GRCh37 (hg19) VCF-style: chr8-63998379-G-A.
Other names: short protein forms R68W.
Identifiers: ClinVar variation 1501243 (VCV001501243.5), dbSNP rs973874631, ClinGen allele CA371403349.